The following is an entry in ClinVar:

ClinVar aggregate classification (germline): Conflicting classifications of pathogenicity. Review status: criteria provided, conflicting classifications (1 of 4 stars). 3 submissions from 3 submitters: Uncertain significance (1); Likely benign (2). Last evaluated 2025-01-02.

Conditions:
Idiopathic Pulmonary Fibrosis. Also called: Idiopathic fibrosing alveolitis, chronic form; idiopathic fibrosing alveolitis. Identifiers: Orphanet 2032, MedGen C1800706, MeSH D054990, MONDO:0800504.
Dyskeratosis congenita, autosomal dominant 2. Identifiers: MedGen C3151443, MONDO:0013521, OMIM 613989.
Dyskeratosis congenita. Identifiers: Orphanet 1775, MedGen C0265965, MONDO:0015780.

Allele frequency attached by ClinVar (database versions not stated): gnomAD exomes 0.00001; ExAC 0.00002; gnomAD 0.00003 and 0.00001; 1000 Genomes Project 30x 0.00016; 1000 Genomes Project 0.00020.
gnomAD v4.1: 20 of 1,614,084 alleles (0.0012%); highest among the groups gnomAD compares: East Asian, 0.0089%; no homozygotes.

Submissions (3):

Ambry Genetics
Classification: Uncertain significance for Dyskeratosis congenita. Last evaluated: 2025-01-02. Review status: criteria provided, single submitter. Criteria: Ambry Variant Classification Scheme 2023. Collection method: clinical testing. Allele origin: germline.
Comment: The c.1914C>T variant (also known as p.Y638Y), located in coding exon 4 of the TERT gene, results from a C to T substitution at nucleotide position 1914. This nucleotide substitution does not change the tyrosine at codon 638. This nucleotide position is not well conserved in available vertebrate species. In silico splice site analysis for this alteration is inconclusive. Based on the available evidence, the clinical significance of this variant remains unclear.

Labcorp Genetics (formerly Invitae), Labcorp
Classification: Likely benign for Dyskeratosis congenita, autosomal dominant 2; Idiopathic Pulmonary Fibrosis. Last evaluated: 2024-06-09. Review status: criteria provided, single submitter. Criteria: Invitae Variant Classification Sherloc (09022015). Collection method: clinical testing. Allele origin: germline.

Blueprint Genetics
Classification: Likely benign. Last evaluated: 2021-07-19. Review status: criteria provided, single submitter. Criteria: ACMG Guidelines, 2015. Collection method: clinical testing. Allele origin: germline.

NM_198253.3(TERT):c.1914C>T (p.Tyr638=)

Gene: TERT (telomerase reverse transcriptase; minus strand). Cytogenetic location: 5p15.33.
Variant type: single nucleotide variant.
Coding change: c.1914C>T on transcript NM_198253.3 (MANE Select); coding-DNA position 1914, C replaced by T.
Protein change: p.Tyr638=; no amino-acid change (tyrosine 638 retained).
Molecular consequence: synonymous variant. On other transcripts: non-coding transcript variant (2).
Genome position (GRCh38, 1-based): chr5:1,280,194, G>A on the plus strand (C>T on the coding strand, the complement: TERT is on the minus strand). VCF-style: chr5-1280194-G-A. GRCh37 (hg19) VCF-style: chr5-1280309-G-A.
Other names: c.1914C>T, p.Tyr638= (NM_001193376.3).
Identifiers: ClinVar variation 471836 (VCV000471836.51), dbSNP rs541931572, ClinGen allele CA3184734.